The following is an entry in ClinVar:

NM_001378454.1(ALMS1):c.6037G>A (p.Ala2013Thr)

Gene: ALMS1 (ALMS1 centrosome and basal body associated protein; plus strand). Cytogenetic location: 2p13.1.
Variant type: single nucleotide variant.
Coding change: c.6037G>A on transcript NM_001378454.1 (MANE Select); coding-DNA position 6037, G replaced by A.
Protein change: p.Ala2013Thr; replaces alanine 2013 with threonine.
Molecular consequence: missense variant.
Genome position (GRCh38, 1-based): chr2:73,452,564, G>A. VCF-style: chr2-73452564-G-A. GRCh37 (hg19) VCF-style: chr2-73679691-G-A.
Other names: c.6040G>A, p.Ala2014Thr (NM_015120.4); short protein forms A2013T, A2014T.
Identifiers: ClinVar variation 3730324 (VCV003730324.2).

ClinVar aggregate classification (germline): Uncertain significance (1 of 4 stars; one submission).

Conditions:
Alstrom syndrome (ALMS). Identifiers: Orphanet 64, MedGen C0268425, MONDO:0008763, OMIM 203800.

gnomAD v4.1: 1 of 1,614,018 alleles (0.000062%); highest among the groups gnomAD compares: East Asian, 0.0022%; no homozygotes.

Submission:

Labcorp Genetics (formerly Invitae), Labcorp
Classification: Uncertain significance for Alstrom syndrome. Last evaluated: 2024-06-10. Review status: criteria provided, single submitter. Criteria: Invitae Variant Classification Sherloc (09022015). Collection method: clinical testing. Allele origin: germline.
Comment: This sequence change replaces alanine, which is neutral and non-polar, with threonine, which is neutral and polar, at codon 2014 of the ALMS1 protein (p.Ala2014Thr). This variant is not present in population databases (gnomAD no frequency). This variant has not been reported in the literature in individuals affected with ALMS1-related conditions. Experimental studies and prediction algorithms are not available or were not evaluated, and the functional significance of this variant is currently unknown. In summary, the available evidence is currently insufficient to determine the role of this variant in disease. Therefore, it has been classified as a Variant of Uncertain Significance.